The following is an entry in ClinVar:

ClinVar aggregate classification (germline): Conflicting classifications of pathogenicity. Review status: criteria provided, conflicting classifications (1 of 4 stars). 6 submissions from 6 submitters: Uncertain significance (3); Likely benign (1). 2 of the submissions do not count toward it. Last evaluated 2026-01-27.

Conditions:
SGCG-related disorder. Also called: SGCG-related condition.
Autosomal recessive limb-girdle muscular dystrophy type 2C (LGMDR5). Also called: MUSCULAR DYSTROPHY, DUCHENNE-LIKE; MUSCULAR DYSTROPHY, LIMB-GIRDLE, AUTOSOMAL RECESSIVE 5. Identifiers: Orphanet 353, MedGen C0410173, MONDO:0009677, OMIM 253700. Disease mechanism: Affects gamma-sarcoglycan and also disrupts the integrity of the entire sarcoglycan complex..

Allele frequency attached by ClinVar (database versions not stated): gnomAD exomes 0.00008 and 0.00019; ExAC 0.00031; 1000 Genomes Project 30x 0.00094; gnomAD 0.00096 and 0.00101; 1000 Genomes Project 0.00100; TOPMed 0.00105; ESP Exome Variant Server 0.00108.
gnomAD v4.1: 262 of 1,614,048 alleles (0.016%); highest among the groups gnomAD compares: African/African-American, 0.33%; no homozygotes.

Submissions (6):

Labcorp Genetics (formerly Invitae), Labcorp
Classification: Likely benign for Autosomal recessive limb-girdle muscular dystrophy type 2C. Last evaluated: 2026-01-27. Review status: criteria provided, single submitter. Criteria: Invitae Variant Classification Sherloc (09022015). Collection method: clinical testing. Allele origin: germline.

Myriad Genetics, Inc.
Classification: Uncertain significance for Autosomal recessive limb-girdle muscular dystrophy type 2C. Last evaluated: 2025-07-25. Review status: criteria provided, single submitter. Criteria: Myriad Autosomal Dominant, Autosomal Recessive and X-Linked Classification Criteria (2023). Collection method: clinical testing. Allele origin: unknown.
Comment: NM_000231.2(SGCG):c.539A>T(E180V) is a missense variant classified as a variant of uncertain significance in the context of gamma-sarcoglycanopathy. E180V has been observed in a case with relevant disease (PMID: 39678382). Relevant functional assessments of this variant are not available in the literature. E180V has been observed in referenced population frequency databases. In summary, there is insufficient evidence to classify NM_000231.2(SGCG):c.539A>T(E180V) as pathogenic or benign. Please note: this variant was assessed in the context of healthy population screening.

Revvity Omics, Revvity
Classification: Uncertain significance for Autosomal recessive limb-girdle muscular dystrophy type 2C. Last evaluated: 2023-06-13. Review status: criteria provided, single submitter. Criteria: ACMG Guidelines, 2015. Collection method: clinical testing. Allele origin: germline.

Eurofins Ntd Llc (ga)
Classification: Uncertain significance. Last evaluated: 2018-06-11. Review status: criteria provided, single submitter. Criteria: EGL ClinVar v180209 classification definitions. Collection method: clinical testing. Allele origin: germline. Observed: 5 variant alleles, 5 heterozygotes.

PreventionGenetics, part of Exact Sciences
Classification: Likely benign for SGCG-related condition. Last evaluated: 2022-03-02. Review status: no assertion criteria provided. Collection method: clinical testing. Allele origin: germline. Not counted in ClinVar's aggregate classification.
Comment: This variant is classified as likely benign based on ACMG/AMP sequence variant interpretation guidelines (Richards et al. 2015 PMID: 25741868, with internal and published modifications).

Natera, Inc.
Classification: Likely benign for Limb-girdle muscular dystrophy type 2C. Last evaluated: 2020-01-20. Review status: no assertion criteria provided. Collection method: clinical testing. Allele origin: germline. Not counted in ClinVar's aggregate classification.

Literature cited by the submitters: PubMed 39678382 (cited by Myriad Genetics, Inc.).

NM_000231.3(SGCG):c.539A>T (p.Glu180Val)

Gene: SGCG (sarcoglycan gamma; plus strand). Cytogenetic location: 13q12.12.
Variant type: single nucleotide variant.
Coding change: c.539A>T on transcript NM_000231.3 (MANE Select); coding-DNA position 539, A replaced by T.
Protein change: p.Glu180Val; replaces glutamic acid 180 with valine.
Molecular consequence: missense variant.
Genome position (GRCh38, 1-based): chr13:23,295,448, A>T. VCF-style: chr13-23295448-A-T. GRCh37 (hg19) VCF-style: chr13-23869587-A-T.
Other names: c.593A>T, p.Glu198Val (NM_001378244.1); c.539A>T, p.Glu180Val (NM_001378245.1, NM_001378246.1); short protein forms E180V, E198V.
Identifiers: ClinVar variation 284771 (VCV000284771.24), dbSNP rs114160429, ClinGen allele CA6909734.